The following is an entry in ClinVar:

ClinVar aggregate classification (germline): Uncertain significance. Review status: criteria provided, multiple submitters, no conflicts (2 of 4 stars). 2 submissions from 2 submitters: Uncertain significance (2). Last evaluated 2025-03-01.

Conditions:
Inborn genetic diseases. Identifiers: MedGen C0950123, MeSH D030342.
Epidermodysplasia verruciformis. Identifiers: Orphanet 302, MedGen C0014522, MONDO:0009176.

Allele frequency attached by ClinVar (database versions not stated): gnomAD exomes 0.00002 and 0.00003; gnomAD 0.00004; ExAC 0.00005; TOPMed 0.00008; ESP Exome Variant Server 0.00015.
gnomAD v4.1: 33 of 1,611,784 alleles (0.002%); highest among the groups gnomAD compares: Middle Eastern, 0.033%; no homozygotes.

Submissions (2):

Ambry Genetics
Classification: Uncertain significance for Inborn genetic diseases. Last evaluated: 2025-03-01. Review status: criteria provided, single submitter. Criteria: Ambry Variant Classification Scheme 2023. Collection method: clinical testing. Allele origin: germline.

Labcorp Genetics (formerly Invitae), Labcorp
Classification: Uncertain significance for Epidermodysplasia verruciformis. Last evaluated: 2024-09-06. Review status: criteria provided, single submitter. Criteria: Invitae Variant Classification Sherloc (09022015). Collection method: clinical testing. Allele origin: germline.
Comment: This sequence change replaces arginine, which is basic and polar, with histidine, which is basic and polar, at codon 398 of the TMC6 protein (p.Arg398His). This variant is present in population databases (rs150505551, gnomAD 0.007%). This variant has not been reported in the literature in individuals affected with TMC6-related conditions. ClinVar contains an entry for this variant (Variation ID: 847923). An algorithm developed to predict the effect of missense changes on protein structure and function (PolyPhen-2) suggests that this variant is likely to be disruptive. In summary, the available evidence is currently insufficient to determine the role of this variant in disease. Therefore, it has been classified as a Variant of Uncertain Significance.

NM_001127198.5(TMC6):c.1193G>A (p.Arg398His)

Genes: TMC6 (transmembrane channel like 6; minus strand), LOC130061785 (ATAC-STARR-seq lymphoblastoid active region 12857; plus strand). Cytogenetic location: 17q25.3.
Variant type: single nucleotide variant.
Coding change: c.1193G>A on transcript NM_001127198.5 (MANE Select); coding-DNA position 1193, G replaced by A.
Protein change: p.Arg398His; replaces arginine 398 with histidine.
Molecular consequence: missense variant.
Genome position (GRCh38, 1-based): chr17:78,122,639, C>T on the plus strand (G>A on the coding strand, the complement: TMC6 is on the minus strand). VCF-style: chr17-78122639-C-T. GRCh37 (hg19) VCF-style: chr17-76118720-C-T.
Other names: c.1193G>A, p.Arg398His (NM_001321185.1, NM_001374593.1, NM_001374594.1 and 4 more transcripts); c.1193G>A (NM_007267.6); short protein forms R398H.
Identifiers: ClinVar variation 847923 (VCV000847923.9), dbSNP rs150505551, ClinGen allele CA8795837.